The following is an entry in ClinVar:

ClinVar aggregate classification (germline): Uncertain significance. Review status: criteria provided, multiple submitters, no conflicts (2 of 4 stars). 6 submissions from 6 submitters: Uncertain significance (6). Last evaluated 2026-03-23.

Conditions:
Nephronophthisis. Also called: Juvenile Nephronophthisis. Identifiers: Orphanet 655, MedGen C0687120, MONDO:0019005, HP:0000090.
NPHP4-related disorder. Also called: NPHP4-related disorders; NPHP4-related condition. Identifiers: MedGen CN239384.
Senior-Loken syndrome 4 (SLSN4). Identifiers: Orphanet 3156, MedGen C1846979, MONDO:0011756, OMIM 606996.
Nephronophthisis 4 (NPHP4). Also called: NEPHRONOPHTHISIS 4, JUVENILE. Identifiers: Orphanet 655, MedGen C1847013, MONDO:0011752, OMIM 606966.

Allele frequency attached by ClinVar (database versions not stated): gnomAD exomes 0.00002 and 0.00007; ExAC 0.00007; TOPMed 0.00028; gnomAD 0.00030 and 0.00031; ESP Exome Variant Server 0.00031.
gnomAD v4.1: 81 of 1,611,302 alleles (0.005%); highest among the groups gnomAD compares: African/African-American, 0.1%; no homozygotes.

Submissions (6):

PreventionGenetics, part of Exact Sciences
Classification: Uncertain significance for NPHP4-related condition. Last evaluated: 2026-03-23. Review status: criteria provided, single submitter. Criteria: ACMG Guidelines, 2015. Collection method: clinical testing. Allele origin: germline.
Comment: The NPHP4 c.3110A>C variant is predicted to result in the amino acid substitution p.Glu1037Ala. To our knowledge, this variant has not been reported in the literature. This variant is reported in 0.13% of alleles in individuals of African descent in gnomAD, which may be too common to be an unreported cause of disease. Although we suspect that this variant may be benign, at this time, the clinical significance of this variant is uncertain due to the absence of conclusive functional and genetic evidence.

Labcorp Genetics (formerly Invitae), Labcorp
Classification: Uncertain significance for Nephronophthisis. Last evaluated: 2026-01-24. Review status: criteria provided, single submitter. Criteria: Invitae Variant Classification Sherloc (09022015). Collection method: clinical testing. Allele origin: germline.
Comment: This sequence change replaces glutamic acid, which is acidic and polar, with alanine, which is neutral and non-polar, at codon 1037 of the NPHP4 protein (p.Glu1037Ala). This variant is present in population databases (rs200310448, gnomAD 0.1%). This variant has not been reported in the literature in individuals affected with NPHP4-related conditions. ClinVar contains an entry for this variant (Variation ID: 291100). Invitae Evidence Modeling of protein sequence and biophysical properties (such as structural, functional, and spatial information, amino acid conservation, physicochemical variation, residue mobility, and thermodynamic stability) indicates that this missense variant is expected to disrupt NPHP4 protein function with a positive predictive value of 80%. In summary, the available evidence is currently insufficient to determine the role of this variant in disease. Therefore, it has been classified as a Variant of Uncertain Significance.

Genetic Services Laboratory, University of Chicago
Classification: Uncertain significance. Last evaluated: 2023-07-05. Review status: criteria provided, single submitter. Criteria: ACMG Guidelines, 2015. Collection method: clinical testing. Allele origin: germline. Affected: no.
Comment: DNA sequence analysis of the NPHP4 gene demonstrated a sequence change, c.3110A>C, in exon 22 that results in an amino acid change, p.Glu1037Ala. This sequence change has been described in the gnomAD database with a frequency of 0.13% in the African/African American subpopulation (dbSNP rs200310448). The p.Glu1037Ala change affects a highly conserved amino acid residue located in a domain of the NPHP4 protein that is not known to be functional. In-silico pathogenicity prediction tools (SIFT, PolyPhen2, Align GVGD, REVEL) provide contradictory results for the p.Glu1037Ala substitution. This sequence change does not appear to have been previously described in individuals with NPHP4-related disorders.Due to insufficient evidence and the lack of functional studies, the clinical significance of the p.Glu1037Ala change remains unknown at this time.

Blueprint Genetics
Classification: Uncertain significance. Last evaluated: 2022-10-06. Review status: criteria provided, single submitter. Criteria: ACMG Guidelines, 2015. Collection method: clinical testing. Allele origin: germline.

Fulgent Genetics
Classification: Uncertain significance for Nephronophthisis 4; Senior-Loken syndrome 4. Last evaluated: 2022-02-01. Review status: criteria provided, single submitter. Criteria: ACMG Guidelines, 2015. Collection method: clinical testing. Allele origin: unknown.

Eurofins Ntd Llc (ga)
Classification: Uncertain significance. Last evaluated: 2017-09-26. Review status: criteria provided, single submitter. Criteria: EGL Classification Definitions 2015. Collection method: clinical testing. Allele origin: germline. Observed: 3 variant alleles, 3 heterozygotes.

NM_015102.5(NPHP4):c.3110A>C (p.Glu1037Ala)

Gene: NPHP4 (nephrocystin 4; minus strand). Cytogenetic location: 1p36.31.
Variant type: single nucleotide variant.
Coding change: c.3110A>C on transcript NM_015102.5 (MANE Select); coding-DNA position 3110, A replaced by C.
Protein change: p.Glu1037Ala; replaces glutamic acid 1037 with alanine.
Molecular consequence: missense variant. On other transcripts: non-coding transcript variant (1).
Genome position (GRCh38, 1-based): chr1:5,874,592, T>G on the plus strand (A>C on the coding strand, the complement: NPHP4 is on the minus strand). VCF-style: chr1-5874592-T-G. GRCh37 (hg19) VCF-style: chr1-5934652-T-G.
Other names: c.1571A>C, p.Glu524Ala (NM_001291593.2); c.1574A>C, p.Glu525Ala (NM_001291594.2); short protein forms E1037A, E525A, E524A.
Identifiers: ClinVar variation 291100 (VCV000291100.16), dbSNP rs200310448, ClinGen allele CA553793.